The following is an entry in ClinVar:

ClinVar aggregate classification (germline): Uncertain significance (1 of 4 stars; one submission).

gnomAD v4.1: 109 of 1,550,238 alleles (0.007%); highest among the groups gnomAD compares: Non-Finnish European, 0.0093%; no homozygotes.

Submission:

Labcorp Genetics (formerly Invitae), Labcorp
Classification: Uncertain significance. Last evaluated: 2026-01-21. Review status: criteria provided, single submitter. Criteria: Invitae Variant Classification Sherloc (09022015). Collection method: clinical testing. Allele origin: germline.
Comment: This sequence change replaces valine, which is neutral and non-polar, with alanine, which is neutral and non-polar, at codon 1363 of the CARMIL2 protein (p.Val1363Ala). This variant is present in population databases (no rsID available, gnomAD 0.002%). This variant has not been reported in the literature in individuals affected with CARMIL2-related conditions. An algorithm developed to predict the effect of missense changes on protein structure and function (PolyPhen-2) suggests that this variant is likely to be disruptive. In summary, the available evidence is currently insufficient to determine the role of this variant in disease. Therefore, it has been classified as a Variant of Uncertain Significance.

NM_001013838.3(CARMIL2):c.4088T>C (p.Val1363Ala)

Gene: CARMIL2 (capping protein regulator and myosin 1 linker 2; plus strand). Cytogenetic location: 16q22.1.
Variant type: single nucleotide variant.
Coding change: c.4088T>C on transcript NM_001013838.3 (MANE Select); coding-DNA position 4088, T replaced by C.
Protein change: p.Val1363Ala; replaces valine 1363 with alanine.
Molecular consequence: missense variant. On other transcripts: intron variant (1).
Genome position (GRCh38, 1-based): chr16:67,656,852, T>C. VCF-style: chr16-67656852-T-C. GRCh37 (hg19) VCF-style: chr16-67690755-T-C.
Other names: c.3947T>C, p.Val1316Ala (NM_001438244.1); c.3980T>C, p.Val1327Ala (NM_001438835.1); c.3928+207T>C (NM_001317026.3); short protein forms V1316A, V1327A, V1363A.
Identifiers: ClinVar variation 4800153 (VCV004800153.1).